The following is an entry in ClinVar:

ClinVar aggregate classification (germline): Uncertain significance. Review status: criteria provided, multiple submitters, no conflicts (2 of 4 stars). 2 submissions from 2 submitters: Uncertain significance (2). Last evaluated 2025-06-25.

Conditions:
Hereditary cancer-predisposing syndrome. Also called: Neoplastic Syndromes, Hereditary; Hereditary neoplastic syndrome; Hereditary Cancer Syndrome; Tumor predisposition. Identifiers: Orphanet 140162, MedGen C0027672, MeSH D009386, MONDO:0015356.
Cardiovascular phenotype. Identifiers: MedGen CN230736.

gnomAD v4.1: 1 of 1,612,814 alleles (0.000062%); highest among the groups gnomAD compares: Admixed American, 0.0017%; no homozygotes.

Submissions (2):

Ambry Genetics
Classification: Uncertain significance for Cardiovascular phenotype; Hereditary cancer-predisposing syndrome. Last evaluated: 2025-06-25. Review status: criteria provided, single submitter. Criteria: Ambry Variant Classification Scheme 2023. Collection method: clinical testing. Allele origin: germline.
Comment: The p.V579L variant (also known as c.1735G>C), located in coding exon 15 of the LZTR1 gene, results from a G to C substitution at nucleotide position 1735. The valine at codon 579 is replaced by leucine, an amino acid with highly similar properties. This amino acid position is highly conserved in available vertebrate species. In addition, the in silico prediction for this alteration is inconclusive. Based on the available evidence, the clinical significance of this variant remains unclear.

Labcorp Genetics (formerly Invitae), Labcorp
Classification: Uncertain significance. Last evaluated: 2024-11-25. Review status: criteria provided, single submitter. Criteria: Invitae Variant Classification Sherloc (09022015). Collection method: clinical testing. Allele origin: germline.
Comment: This sequence change replaces valine, which is neutral and non-polar, with leucine, which is neutral and non-polar, at codon 579 of the LZTR1 protein (p.Val579Leu). This variant is not present in population databases (gnomAD no frequency). This variant has not been reported in the literature in individuals affected with LZTR1-related conditions. ClinVar contains an entry for this variant (Variation ID: 2975286). Invitae Evidence Modeling of protein sequence and biophysical properties (such as structural, functional, and spatial information, amino acid conservation, physicochemical variation, residue mobility, and thermodynamic stability) indicates that this missense variant is not expected to disrupt LZTR1 protein function with a negative predictive value of 80%. In summary, the available evidence is currently insufficient to determine the role of this variant in disease. Therefore, it has been classified as a Variant of Uncertain Significance.

NM_006767.4(LZTR1):c.1735G>C (p.Val579Leu)

Gene: LZTR1 (leucine zipper like post translational regulator 1; plus strand). Cytogenetic location: 22q11.21.
Variant type: single nucleotide variant.
Coding change: c.1735G>C on transcript NM_006767.4 (MANE Select); coding-DNA position 1735, G replaced by C.
Protein change: p.Val579Leu; replaces valine 579 with leucine.
Molecular consequence: missense variant.
Genome position (GRCh38, 1-based): chr22:20,994,677, G>C. VCF-style: chr22-20994677-G-C. GRCh37 (hg19) VCF-style: chr22-21348966-G-C.
Other names: c.1735G>C (NM_006767.3); short protein forms V579L.
Identifiers: ClinVar variation 2975286 (VCV002975286.5), dbSNP rs765416902, ClinGen allele CA410778164.
Genomic context (GRCh38, chr22:20,994,677, plus strand): 5'-TTGTGCCGCCTGGAGCAGCTGTGCCGCCAGTACATCGAGGCCTCCGTGGACCTGCAGAAC[G>C]TGCTGGTTGTGTGCGAGAGTGCCGCCCGGCTGCAGCTGAGCCAACTCAAGGTGTGGGGTG-3'
Protein context (NP_006758.2, residues 569-589): YIEASVDLQN[Val579Leu]LVVCESAARL